The following is an entry in ClinVar:

NM_014336.5(AIPL1):c.559C>T (p.Arg187Trp)

Gene: AIPL1 (AIP like 1 HSP90 co-chaperone; minus strand). Cytogenetic location: 17p13.2.
Variant type: single nucleotide variant.
Coding change: c.559C>T on transcript NM_014336.5 (MANE Select); coding-DNA position 559, C replaced by T.
Protein change: p.Arg187Trp; replaces arginine 187 with tryptophan.
Molecular consequence: missense variant.
Genome position (GRCh38, 1-based): chr17:6,426,964, G>A on the plus strand (C>T on the coding strand, the complement: AIPL1 is on the minus strand). VCF-style: chr17-6426964-G-A. GRCh37 (hg19) VCF-style: chr17-6330284-G-A.
Other names: NM_014336.5(AIPL1):c.559C>T; p.Arg187Trp; c.370C>T, p.Arg124Trp (NM_001033054.3); c.379C>T, p.Arg127Trp (NM_001033055.3); c.523C>T, p.Arg175Trp (NM_001285399.3); c.493C>T, p.Arg165Trp (NM_001285400.3); c.559C>T, p.Arg187Trp (NM_001285401.3); c.442C>T, p.Arg148Trp (NM_001285402.2); and 2 more; short protein forms R124W, R175W, R179W, R148W, R165W, R187W, R127W.
Identifiers: ClinVar variation 844508 (VCV000844508.9), dbSNP rs372483880, ClinGen allele CA8328472.

ClinVar aggregate classification (germline): Uncertain significance. Review status: reviewed by expert panel (3 of 4 stars). 4 submissions from 4 submitters: Uncertain significance (1). 3 of the submissions do not count toward it. Last evaluated 2025-09-29.

Conditions:
Inborn genetic diseases. Identifiers: MedGen C0950123, MeSH D030342.
AIPL1-related retinopathy. Also called: AIPL1 retinopathy. Identifiers: MedGen CN305590, MONDO:0100438.
Leber congenital amaurosis 4 (LCA4). Identifiers: MedGen C1858386, MONDO:0011458, OMIM 604393.
AIPL1-related disorder. Also called: AIPL1-related disorders; AIPL1-related condition. Identifiers: MedGen CN239169.

Allele frequency attached by ClinVar (database versions not stated): gnomAD 0.00001; ExAC 0.00002; gnomAD exomes 0.00002; TOPMed 0.00002; ESP Exome Variant Server 0.00008.
gnomAD v4.1: 11 of 1,614,074 alleles (0.00068%); highest among the groups gnomAD compares: South Asian, 0.0033%; no homozygotes.

Submissions (4):

ClinGen Leber Congenital Amaurosis/early Onset Retinal Dystrophy Variant Curation Expert Panel, ClinGen
Classification: Uncertain significance for AIPL1-related retinopathy. Last evaluated: 2025-09-29. Review status: reviewed by expert panel. Criteria: ClinGen LCAeoRD ACMG Specifications AIPL1 V1.0.0. Collection method: curation. Allele origin: germline. Inheritance: Autosomal recessive inheritance.
Comment: NM_014336.5(AIPL1):c.559C>T (p.Arg187Trp) is a missense variant replacing the arginine at position p.187 with tryptophan. This variant is present in gnomAD v.4.1.0 at a total allele frequency of 0.0000068, with 11 alleles / 1,614,074 total alleles, which is lower than the ClinGen LCA/eoRD VCEP PM2_Supporting threshold of <0.0004 (PM2_Supporting). The computational predictor REVEL gives a score of 0.631, which is above the ClinGen LCA/eoRD VCEP threshold of <0.290 for BP4 and below the threshold of ≥0.644 for PP3 so neither code is applicable. No published probands harboring the variant have been identified. In summary, this variant meets the criteria to be classified as a VUS for AIPL1-related retinopathy based on the ACMG/AMP criteria applied, as specified by the ClinGen LCA/eoRD VCEP: PM2_Supporting. (VCEP specifications version 1.0.0; date of approval 09/24/2025).

Ambry Genetics
Classification: Uncertain significance for Inborn genetic diseases. Last evaluated: 2024-10-19. Review status: criteria provided, single submitter. Criteria: Ambry Variant Classification Scheme 2023. Collection method: clinical testing. Allele origin: germline. Not counted in ClinVar's aggregate classification.

Labcorp Genetics (formerly Invitae), Labcorp
Classification: Uncertain significance for Leber congenital amaurosis 4. Last evaluated: 2021-09-01. Review status: criteria provided, single submitter. Criteria: Invitae Variant Classification Sherloc (09022015). Collection method: clinical testing. Allele origin: germline. Not counted in ClinVar's aggregate classification.
Comment: This sequence change replaces arginine with tryptophan at codon 187 of the AIPL1 protein (p.Arg187Trp). The arginine residue is moderately conserved and there is a moderate physicochemical difference between arginine and tryptophan. This variant is present in population databases (rs372483880, ExAC 0.004%). This variant has not been reported in the literature in individuals affected with AIPL1-related conditions. Algorithms developed to predict the effect of missense changes on protein structure and function are either unavailable or do not agree on the potential impact of this missense change (SIFT: "Deleterious"; PolyPhen-2: "Probably Damaging"; Align-GVGD: "Class C15"). In summary, the available evidence is currently insufficient to determine the role of this variant in disease. Therefore, it has been classified as a Variant of Uncertain Significance.

PreventionGenetics, part of Exact Sciences
Classification: Uncertain significance for AIPL1-related condition. Last evaluated: 2024-09-18. Review status: no assertion criteria provided. Collection method: clinical testing. Allele origin: germline. Not counted in ClinVar's aggregate classification.
Comment: The AIPL1 c.559C>T variant is predicted to result in the amino acid substitution p.Arg187Trp. To our knowledge, this variant has not been reported in the literature. This variant is reported in 0.0035% of alleles in individuals of European (Non-Finnish) descent in gnomAD. At this time, the clinical significance of this variant is uncertain due to the absence of conclusive functional and genetic evidence.